The following is an entry in ClinVar:

NM_001378615.1(CC2D2A):c.3877dup (p.Ile1293fs)

Genes: CC2D2A (coiled-coil and C2 domain containing 2A; plus strand), FBXL5 (F-box and leucine rich repeat protein 5; minus strand). Cytogenetic location: 4p15.32.
Variant type: Duplication.
Coding change: c.3877dup on transcript NM_001378615.1 (MANE Select); coding-DNA position 3877, one base duplicated (A; older notation c.3877dupA).
Protein change: p.Ile1293fs; shifts the reading frame from isoleucine 1293.
Molecular consequence: frameshift variant.
Genome position (GRCh38, 1-based): chr4:15,580,073, A duplicated. VCF-style (leftmost placement, unchanged base first): chr4-15580072-T-TA. GRCh37 (hg19) VCF-style: chr4-15581695-T-TA.
Other names: c.3877dup, p.Ile1293fs (NM_001080522.2); c.3730dup, p.Ile1244fs (NM_001378617.1); short protein forms I1244fs, I1293fs.
Identifiers: ClinVar variation 5012952 (VCV005012952.1).

ClinVar aggregate classification (germline): Pathogenic (1 of 4 stars; one submission).

Conditions:
Joubert syndrome and related disorders. Identifiers: Orphanet 140874, MedGen C5679612, MONDO:0015369.

Submission:

Myriad Genetics, Inc.
Classification: Pathogenic for Joubert syndrome and related disorders. Last evaluated: 2024-04-24. Review status: criteria provided, single submitter. Criteria: Myriad Autosomal Dominant, Autosomal Recessive and X-Linked Classification Criteria (2023). Collection method: clinical testing. Allele origin: unknown.
Comment: NM_001080522.2(CC2D2A):c.3877dupA(I1293Nfs*23) is expected to be pathogenic in the context of CC2D2A-related disorders. This variant is predicted to lead to an abnormal or absent protein product due to the creation of a premature termination codon in CC2D2A, a gene where loss-of-function variants are known to be pathogenic. Please note: this variant was assessed in the context of healthy population screening.